The following is an entry in ClinVar:

NM_004385.5(VCAN):c.8711A>G (p.Asp2904Gly)

Genes: VCAN (versican; plus strand), VCAN-AS1 (VCAN antisense RNA 1; minus strand). Cytogenetic location: 5q14.3.
Variant type: single nucleotide variant.
Coding change: c.8711A>G on transcript NM_004385.5 (MANE Select); coding-DNA position 8711, A replaced by G.
Protein change: p.Asp2904Gly; replaces aspartic acid 2904 with glycine.
Molecular consequence: missense variant. On other transcripts: intron variant (2).
Genome position (GRCh38, 1-based): chr5:83,541,714, A>G. VCF-style: chr5-83541714-A-G. GRCh37 (hg19) VCF-style: chr5-82837533-A-G.
Other names: c.5750A>G, p.Asp1917Gly (NM_001164097.2); c.4004-3823A>G (NM_001164098.2); c.1043-3823A>G (NM_001126336.3); short protein forms D2904G, D1917G.
Identifiers: ClinVar variation 2009755 (VCV002009755.4), dbSNP rs1189510182, ClinGen allele CA360294006.

ClinVar aggregate classification (germline): Uncertain significance (1 of 4 stars; one submission).

Allele frequency attached by ClinVar (database versions not stated): gnomAD 0.00001; gnomAD exomes 0.00001.
gnomAD v4.1: 4 of 1,613,926 alleles (0.00025%); highest among the groups gnomAD compares: Non-Finnish European, 0.00034%; no homozygotes.

Submission:

Labcorp Genetics (formerly Invitae), Labcorp
Classification: Uncertain significance. Last evaluated: 2022-06-23. Review status: criteria provided, single submitter. Criteria: Invitae Variant Classification Sherloc (09022015). Collection method: clinical testing. Allele origin: germline.
Comment: In summary, the available evidence is currently insufficient to determine the role of this variant in disease. Therefore, it has been classified as a Variant of Uncertain Significance. Algorithms developed to predict the effect of missense changes on protein structure and function are either unavailable or do not agree on the potential impact of this missense change (SIFT: "Deleterious"; PolyPhen-2: "Benign"; Align-GVGD: "Class C0"). This variant has not been reported in the literature in individuals affected with VCAN-related conditions. This variant is present in population databases (no rsID available, gnomAD 0.0009%). This sequence change replaces aspartic acid, which is acidic and polar, with glycine, which is neutral and non-polar, at codon 2904 of the VCAN protein (p.Asp2904Gly).